The following is an entry in ClinVar:

NM_000179.3(MSH6):c.3313G>C (p.Gly1105Arg)

Gene: MSH6 (mutS homolog 6; plus strand). Cytogenetic location: 2p16.3.
Variant type: single nucleotide variant.
Coding change: c.3313G>C on transcript NM_000179.3 (MANE Select); coding-DNA position 3313, G replaced by C.
Protein change: p.Gly1105Arg; replaces glycine 1105 with arginine.
Molecular consequence: missense variant. On other transcripts: non-coding transcript variant (5), intron variant (1).
Genome position (GRCh38, 1-based): chr2:47,803,560, G>C. VCF-style: chr2-47803560-G-C. GRCh37 (hg19) VCF-style: chr2-48030699-G-C.
Other names: c.2923G>C, p.Gly975Arg (NM_001281492.2); c.2407G>C, p.Gly803Arg (NM_001281493.2, NM_001406823.1, NM_001406829.1 and 6 more transcripts); c.3016G>C, p.Gly1006Arg (NM_001406824.1, NM_001406825.1, NM_001406827.1 and 10 more transcripts); c.3145G>C, p.Gly1049Arg (NM_001406826.1); c.94G>C, p.Gly32Arg (NM_001406831.1); c.160G>C, p.Gly54Arg (NM_001406832.1); c.3409G>C, p.Gly1137Arg (NM_001406795.1, NM_001406802.1); c.3313G>C, p.Gly1105Arg (NM_001406796.1, NM_001406800.1, NM_001406808.1 and 1 more transcripts); and 7 more; short protein forms G975R, G1006R, G1079R, G1105R, G1137R, G420R, G930R, G32R.
Identifiers: ClinVar variation 2741506 (VCV002741506.3), dbSNP rs755716475, ClinGen allele CA346758607.

ClinVar aggregate classification (germline): Uncertain significance (1 of 4 stars; one submission).

Conditions:
Hereditary nonpolyposis colorectal neoplasms. Identifiers: MedGen C0009405, MeSH D003123.

Submission:

Labcorp Genetics (formerly Invitae), Labcorp
Classification: Uncertain significance for Hereditary nonpolyposis colorectal neoplasms. Last evaluated: 2023-07-11. Review status: criteria provided, single submitter. Criteria: Invitae Variant Classification Sherloc (09022015). Collection method: clinical testing. Allele origin: germline.
Comment: This sequence change replaces glycine, which is neutral and non-polar, with arginine, which is basic and polar, at codon 1105 of the MSH6 protein (p.Gly1105Arg). This variant is not present in population databases (gnomAD no frequency). This variant has not been reported in the literature in individuals affected with MSH6-related conditions. Advanced modeling of protein sequence and biophysical properties (such as structural, functional, and spatial information, amino acid conservation, physicochemical variation, residue mobility, and thermodynamic stability) has been performed at Invitae for this missense variant, however the output from this modeling did not meet the statistical confidence thresholds required to predict the impact of this variant on MSH6 protein function. In summary, the available evidence is currently insufficient to determine the role of this variant in disease. Therefore, it has been classified as a Variant of Uncertain Significance.